The following is an entry in ClinVar:

NM_014000.3(VCL):c.1946C>A (p.Ala649Glu)

Gene: VCL (vinculin; plus strand). Cytogenetic location: 10q22.2.
Variant type: single nucleotide variant.
Coding change: c.1946C>A on transcript NM_014000.3 (MANE Select); coding-DNA position 1946, C replaced by A.
Protein change: p.Ala649Glu; replaces alanine 649 with glutamic acid.
Molecular consequence: missense variant.
Genome position (GRCh38, 1-based): chr10:74,101,021, C>A. VCF-style: chr10-74101021-C-A. GRCh37 (hg19) VCF-style: chr10-75860779-C-A.
Other names: c.1946C>A, p.Ala649Glu (NM_003373.4); short protein forms A649E.
Identifiers: ClinVar variation 3370882 (VCV003370882.1).

ClinVar aggregate classification (germline): Uncertain significance (1 of 4 stars; one submission).

Submission:

GeneDx
Classification: Uncertain significance. Last evaluated: 2024-03-12. Review status: criteria provided, single submitter. Criteria: GeneDx Variant Classification Process June 2021. Collection method: clinical testing. Allele origin: germline. Affected: yes.
Comment: Not observed at significant frequency in large population cohorts (gnomAD); In silico analysis supports a deleterious effect on splicing; In silico analysis supports that this missense variant does not alter protein structure/function; Has not been previously published as pathogenic or benign to our knowledge